The following is an entry in ClinVar:

NM_004991.4(MECOM):c.3703T>C (p.Ser1235Pro)

Gene: MECOM (MDS1 and EVI1 complex locus; minus strand). Cytogenetic location: 3q26.2.
Variant type: single nucleotide variant.
Coding change: c.3703T>C on transcript NM_004991.4 (MANE Select); coding-DNA position 3703, T replaced by C.
Protein change: p.Ser1235Pro; replaces serine 1235 with proline.
Molecular consequence: missense variant.
Genome position (GRCh38, 1-based): chr3:169,084,926, A>G on the plus strand (T>C on the coding strand, the complement: MECOM is on the minus strand). VCF-style: chr3-169084926-A-G. GRCh37 (hg19) VCF-style: chr3-168802714-A-G.
Other names: c.3334T>C, p.Ser1112Pro (NM_001105077.4); c.3139T>C, p.Ser1047Pro (NM_001105078.4, NM_001205194.2, NM_001366469.2 and 1 more transcripts); c.3115T>C, p.Ser1039Pro (NM_001163999.2, NM_001366470.2); c.3112T>C, p.Ser1038Pro (NM_001164000.2, NM_001366471.2, NM_001366472.2); c.3676T>C, p.Ser1226Pro (NM_001366466.2); c.3142T>C, p.Ser1048Pro (NM_001366467.2, NM_001366468.2); c.2704T>C, p.Ser902Pro (NM_001366473.2); c.2140T>C, p.Ser714Pro (NM_001366474.2); short protein forms S1039P, S1047P, S1112P, S1048P, S1235P, S714P, S902P, S1038P.
Identifiers: ClinVar variation 4053249 (VCV004053249.1).

ClinVar aggregate classification (germline): Uncertain significance (1 of 4 stars; one submission).

Conditions:
Inborn genetic diseases. Identifiers: MedGen C0950123, MeSH D030342.

gnomAD v4.1: 1 of 1,614,042 alleles (0.000062%); highest among the groups gnomAD compares: Middle Eastern, 0.017%; no homozygotes.

Submission:

Ambry Genetics
Classification: Uncertain significance for Inborn genetic diseases. Last evaluated: 2025-05-15. Review status: criteria provided, single submitter. Criteria: Ambry Variant Classification Scheme 2023. Collection method: clinical testing. Allele origin: germline.
Comment: The p.S1235P variant (also known as c.3703T>C), located in coding exon 17 of the MECOM gene, results from a T to C substitution at nucleotide position 3703. The serine at codon 1235 is replaced by proline, an amino acid with similar properties. This amino acid position is conserved. In addition, the in silico prediction for this alteration is inconclusive. Based on the available evidence, the clinical significance of this variant remains unclear.